The following is an entry in ClinVar:

NM_033409.4(SLC52A3):c.890C>T (p.Pro297Leu)

Gene: SLC52A3 (solute carrier family 52 member 3; minus strand). Cytogenetic location: 20p13.
Variant type: single nucleotide variant.
Coding change: c.890C>T on transcript NM_033409.4 (MANE Select); coding-DNA position 890, C replaced by T.
Protein change: p.Pro297Leu; replaces proline 297 with leucine.
Molecular consequence: missense variant.
Genome position (GRCh38, 1-based): chr20:763,681, G>A on the plus strand (C>T on the coding strand, the complement: SLC52A3 is on the minus strand). VCF-style: chr20-763681-G-A. GRCh37 (hg19) VCF-style: chr20-744325-G-A.
Other names: c.890C>T, p.Pro297Leu (NM_001370085.1, NM_001370086.1); short protein forms P297L.
Identifiers: ClinVar variation 570161 (VCV000570161.11), dbSNP rs201990981, ClinGen allele CA9724661.

ClinVar aggregate classification (germline): Uncertain significance. Review status: criteria provided, multiple submitters, no conflicts (2 of 4 stars). 2 submissions from 2 submitters: Uncertain significance (2). Last evaluated 2025-01-29.

Conditions:
Brown-Vialetto-van Laere syndrome 1. Also called: BROWN-VIALETTO-VAN LAERE SYNDROME 1, MILD; PONTOBULBAR PALSY WITH DEAFNESS; BULBAR PALSY, PROGRESSIVE, WITH SENSORINEURAL DEAFNESS. Identifiers: Orphanet 572550, Orphanet 97229, MedGen C0796274, MONDO:0024537, OMIM 211530.
Inborn genetic diseases. Identifiers: MedGen C0950123, MeSH D030342.
Progressive bulbar palsy of childhood. Also called: Childhood Progressive Bulbar Palsy; FAZIO-LONDE DISEASE. Identifiers: MedGen C0393540, MONDO:0100428, OMIM 211500.

Allele frequency attached by ClinVar (database versions not stated): ExAC 0.00006; gnomAD 0.00006 and 0.00005; ESP Exome Variant Server 0.00023; gnomAD exomes 0.00004 and 0.00012; TOPMed 0.00006.
gnomAD v4.1: 183 of 1,614,016 alleles (0.011%); highest among the groups gnomAD compares: Non-Finnish European, 0.015%; no homozygotes.

Submissions (2):

Ambry Genetics
Classification: Uncertain significance for Inborn genetic diseases. Last evaluated: 2025-01-29. Review status: criteria provided, single submitter. Criteria: Ambry Variant Classification Scheme 2023. Collection method: clinical testing. Allele origin: germline.

Labcorp Genetics (formerly Invitae), Labcorp
Classification: Uncertain significance for Brown-Vialetto-van Laere syndrome 1. Last evaluated: 2021-12-18. Review status: criteria provided, single submitter. Criteria: Invitae Variant Classification Sherloc (09022015). Collection method: clinical testing. Allele origin: germline.
Comment: This sequence change replaces proline, which is neutral and non-polar, with leucine, which is neutral and non-polar, at codon 297 of the SLC52A3 protein (p.Pro297Leu). This variant is present in population databases (rs201990981, gnomAD 0.01%). This variant has not been reported in the literature in individuals affected with SLC52A3-related conditions. ClinVar contains an entry for this variant (Variation ID: 570161). Algorithms developed to predict the effect of missense changes on protein structure and function output the following: SIFT: "Tolerated"; PolyPhen-2: "Benign"; Align-GVGD: "Class C0". The leucine amino acid residue is found in multiple mammalian species, which suggests that this missense change does not adversely affect protein function. In summary, the available evidence is currently insufficient to determine the role of this variant in disease. Therefore, it has been classified as a Variant of Uncertain Significance.